The following is an entry in ClinVar:

ClinVar aggregate classification (germline): Uncertain significance. Review status: criteria provided, multiple submitters, no conflicts (2 of 4 stars). 2 submissions from 2 submitters: Uncertain significance (2). Last evaluated 2025-03-12.

Conditions:
RASopathy. Also called: Noonan spectrum disorder; rasopathies. Identifiers: Orphanet 536391, MedGen C5555857, MONDO:0021060.

Allele frequency attached by ClinVar (database versions not stated): gnomAD exomes below 0.00001; gnomAD 0.00001; TOPMed 0.00001.

Submissions (2):

Labcorp Genetics (formerly Invitae), Labcorp
Classification: Uncertain significance for RASopathy. Last evaluated: 2025-03-12. Review status: criteria provided, single submitter. Criteria: Invitae Variant Classification Sherloc (09022015). Collection method: clinical testing. Allele origin: germline.
Comment: This sequence change replaces isoleucine, which is neutral and non-polar, with valine, which is neutral and non-polar, at codon 257 of the SHOC2 protein (p.Ile257Val). This variant is not present in population databases (gnomAD no frequency). This variant has not been reported in the literature in individuals affected with SHOC2-related conditions. ClinVar contains an entry for this variant (Variation ID: 1469919). Invitae Evidence Modeling of protein sequence and biophysical properties (such as structural, functional, and spatial information, amino acid conservation, physicochemical variation, residue mobility, and thermodynamic stability) indicates that this missense variant is not expected to disrupt SHOC2 protein function with a negative predictive value of 80%. In summary, the available evidence is currently insufficient to determine the role of this variant in disease. Therefore, it has been classified as a Variant of Uncertain Significance.

Blueprint Genetics
Classification: Uncertain significance. Last evaluated: 2019-09-10. Review status: criteria provided, single submitter. Criteria: ACMG Guidelines, 2015. Collection method: clinical testing. Allele origin: germline.

NM_007373.4(SHOC2):c.769A>G (p.Ile257Val)

Gene: SHOC2 (SHOC2 leucine rich repeat scaffold protein; plus strand). Cytogenetic location: 10q25.2.
Variant type: single nucleotide variant.
Coding change: c.769A>G on transcript NM_007373.4 (MANE Select); coding-DNA position 769, A replaced by G.
Protein change: p.Ile257Val; replaces isoleucine 257 with valine.
Molecular consequence: missense variant. On other transcripts: non-coding transcript variant (1), intron variant (1).
Genome position (GRCh38, 1-based): chr10:110,985,693, A>G. VCF-style: chr10-110985693-A-G. GRCh37 (hg19) VCF-style: chr10-112745451-A-G.
Other names: c.769A>G, p.Ile257Val (NM_001324336.2, NM_001324337.2); c.704-14722A>G (NM_001269039.3); short protein forms I257V.
Identifiers: ClinVar variation 1469919 (VCV001469919.9), dbSNP rs1476197124, ClinGen allele CA378391442.